The following is an entry in ClinVar:

NM_001083962.2(TCF4):c.*4088T>C

Gene: TCF4 (transcription factor 4; minus strand). Cytogenetic location: 18q21.2.
Variant type: single nucleotide variant.
Coding change: c.*4088T>C on transcript NM_001083962.2 (MANE Select); 4088 bases downstream of the stop codon, T replaced by C.
Molecular consequence: 3 prime UTR variant.
Genome position (GRCh38, 1-based): chr18:55,223,947, A>G on the plus strand (T>C on the coding strand, the complement: TCF4 is on the minus strand). VCF-style: chr18-55223947-A-G. GRCh37 (hg19) VCF-style: chr18-52891178-A-G.
Other names: c.*4088T>C (NM_001243226.3, NM_001243227.2, NM_001243228.2 and 42 more transcripts).
Identifiers: ClinVar variation 327246 (VCV000327246.37), dbSNP rs182171482, ClinGen allele CA10647833.
Genomic context (GRCh38, chr18:55,223,947, plus strand): 5'-ATCTTTTAAATAGTAAAATAAAGTAACAAACTTTTACTCATAATGATTCCAAAAATCTAC[A>G]AAGAAGAAATATTCAGAATCTGACAATTTTTTTGTAATATTCATGGTATAAAAGGATTGC-3'

ClinVar aggregate classification (germline): Benign. Review status: criteria provided, multiple submitters, no conflicts (2 of 4 stars). 3 submissions from 3 submitters: Benign (3). Last evaluated 2023-06-01.

Conditions:
Pitt-Hopkins syndrome (PTHS). Also called: ENCEPHALOPATHY, SEVERE EPILEPTIC, WITH AUTONOMIC DYSFUNCTION; MENTAL RETARDATION, SYNDROMAL, WITH INTERMITTENT HYPERVENTILATION. Identifiers: Orphanet 2896, MedGen C1970431, MONDO:0012589, OMIM 610954.

Allele frequency attached by ClinVar (database versions not stated): 1000 Genomes Project 0.00240; gnomAD 0.00621 and 0.00632; TOPMed 0.00626.

Submissions (3):

CeGaT Center for Human Genetics Tuebingen
Classification: Benign. Last evaluated: 2023-06-01. Review status: criteria provided, single submitter. Criteria: CeGaT Center For Human Genetics Tuebingen Variant Classification Criteria Version 2. Collection method: clinical testing. Allele origin: germline. Affected: yes. Observed: 18 variant alleles.
Comment: TCF4: BS1, BS2

Illumina Laboratory Services, Illumina
Classification: Benign for Pitt-Hopkins syndrome. Last evaluated: 2018-01-13. Review status: criteria provided, single submitter. Criteria: ICSL Variant Classification Criteria 13 December 2019. Collection method: clinical testing. Allele origin: germline.
Comment: This variant was observed in the ICSL laboratory as part of a predisposition screen in an ostensibly healthy population. It had not been previously curated by ICSL or reported in the Human Gene Mutation Database (HGMD: prior to June 1st, 2018), and was therefore a candidate for classification through an automated scoring system. Utilizing variant allele frequency, disease prevalence and penetrance estimates, and inheritance mode, an automated score was calculated to assess if this variant is too frequent to cause the disease. Based on the score and internal cut-off values, a variant classified as benign is not then subjected to further curation. The score for this variant resulted in a classification of benign for this disease.

Breakthrough Genomics
Classification: Benign. Review status: criteria provided, single submitter. Criteria: ACMG Guidelines, 2015. Collection method: not provided. Allele origin: germline. Inheritance: Autosomal dominant inheritance. Affected: yes.